The following is an entry in ClinVar:

ClinVar aggregate classification (germline): Uncertain significance (1 of 4 stars; one submission).

Submission:

Labcorp Genetics (formerly Invitae), Labcorp
Classification: Uncertain significance. Last evaluated: 2024-02-23. Review status: criteria provided, single submitter. Criteria: Invitae Variant Classification Sherloc (09022015). Collection method: clinical testing. Allele origin: germline.
Comment: This sequence change replaces aspartic acid, which is acidic and polar, with glycine, which is neutral and non-polar, at codon 15 of the LYN protein (p.Asp15Gly). This variant is not present in population databases (gnomAD no frequency). This variant has not been reported in the literature in individuals affected with LYN-related conditions. ClinVar contains an entry for this variant (Variation ID: 1352115). An algorithm developed to predict the effect of missense changes on protein structure and function (PolyPhen-2) suggests that this variant is likely to be tolerated. In summary, the available evidence is currently insufficient to determine the role of this variant in disease. Therefore, it has been classified as a Variant of Uncertain Significance.

NM_002350.4(LYN):c.44A>G (p.Asp15Gly)

Gene: LYN (LYN proto-oncogene, Src family tyrosine kinase; plus strand). Cytogenetic location: 8q12.1.
Variant type: single nucleotide variant.
Coding change: c.44A>G on transcript NM_002350.4 (MANE Select); coding-DNA position 44, A replaced by G.
Protein change: p.Asp15Gly; replaces aspartic acid 15 with glycine.
Molecular consequence: missense variant.
Genome position (GRCh38, 1-based): chr8:55,941,903, A>G. VCF-style: chr8-55941903-A-G. GRCh37 (hg19) VCF-style: chr8-56854462-A-G.
Other names: c.44A>G, p.Asp15Gly (NM_001111097.3); short protein forms D15G.
Identifiers: ClinVar variation 1352115 (VCV001352115.8), dbSNP rs2130473969, ClinGen allele CA371277816.